The following is an entry in ClinVar:

NM_003922.4(HERC1):c.10099G>C (p.Ala3367Pro)

Gene: HERC1 (HECT and RLD domain containing E3 ubiquitin protein ligase family member 1; minus strand). Cytogenetic location: 15q22.31.
Variant type: single nucleotide variant.
Coding change: c.10099G>C on transcript NM_003922.4 (MANE Select); coding-DNA position 10099, G replaced by C.
Protein change: p.Ala3367Pro; replaces alanine 3367 with proline.
Molecular consequence: missense variant.
Genome position (GRCh38, 1-based): chr15:63,654,310, C>G on the plus strand (G>C on the coding strand, the complement: HERC1 is on the minus strand). VCF-style: chr15-63654310-C-G. GRCh37 (hg19) VCF-style: chr15-63946509-C-G.
Other names: short protein forms A3367P.
Identifiers: ClinVar variation 4813519 (VCV004813519.1).

ClinVar aggregate classification (germline): Uncertain significance (1 of 4 stars; one submission).

Conditions:
Macrocephaly, dysmorphic facies, and psychomotor retardation (MDFPMR). Identifiers: Orphanet 457359, MedGen C4310766, MONDO:0014863, OMIM 617011.

gnomAD v4.1: 9 of 1,613,066 alleles (0.00056%); highest among the groups gnomAD compares: Admixed American, 0.012%; no homozygotes.

Submission:

Mendelics
Classification: Uncertain significance for Macrocephaly, dysmorphic facies, and psychomotor retardation. Last evaluated: 2026-03-05. Review status: criteria provided, single submitter. Criteria: ACMG Guidelines, 2015. Collection method: clinical testing. Allele origin: unknown.
Comment: The available evidence is insufficient to conclusively determine the role of this variant. Therefore, it is classified as a Variant of Uncertain Significance.